The following is an entry in ClinVar:

ClinVar aggregate classification (germline): Uncertain significance (1 of 4 stars; one submission).

Conditions:
Autosomal dominant polycystic kidney disease. Identifiers: Orphanet 730, MedGen C0085413, MONDO:0004691.

gnomAD v4.1: 25 of 1,613,930 alleles (0.0015%); highest among the groups gnomAD compares: Non-Finnish European, 0.002%; no homozygotes.

Submission:

Labcorp Genetics (formerly Invitae), Labcorp
Classification: Uncertain significance for Autosomal dominant polycystic kidney disease. Last evaluated: 2025-12-23. Review status: criteria provided, single submitter. Criteria: Invitae Variant Classification Sherloc (09022015). Collection method: clinical testing. Allele origin: germline.
Comment: This sequence change replaces glycine, which is neutral and non-polar, with valine, which is neutral and non-polar, at codon 285 of the PKD2 protein (p.Gly285Val). The frequency data for this variant in the population databases is considered unreliable, as metrics indicate poor data quality at this position in the gnomAD database. This variant has not been reported in the literature in individuals affected with PKD2-related conditions. Invitae Evidence Modeling of protein sequence and biophysical properties (such as structural, functional, and spatial information, amino acid conservation, physicochemical variation, residue mobility, and thermodynamic stability) indicates that this missense variant is expected to disrupt PKD2 protein function with a positive predictive value of 80%. In summary, the available evidence is currently insufficient to determine the role of this variant in disease. Therefore, it has been classified as a Variant of Uncertain Significance.

NM_000297.4(PKD2):c.854G>T (p.Gly285Val)

Gene: PKD2 (polycystin 2, transient receptor potential cation channel; plus strand). Cytogenetic location: 4q22.1.
Variant type: single nucleotide variant.
Coding change: c.854G>T on transcript NM_000297.4 (MANE Select); coding-DNA position 854, G replaced by T.
Protein change: p.Gly285Val; replaces glycine 285 with valine.
Molecular consequence: missense variant. On other transcripts: non-coding transcript variant (1).
Genome position (GRCh38, 1-based): chr4:88,038,261, G>T. VCF-style: chr4-88038261-G-T. GRCh37 (hg19) VCF-style: chr4-88959413-G-T.
Other names: c.854G>T, p.Gly285Val (NM_001440544.1); short protein forms G285V.
Identifiers: ClinVar variation 4748611 (VCV004748611.1).